The following is an entry in ClinVar:

ClinVar aggregate classification (germline): Uncertain significance. Review status: criteria provided, multiple submitters, no conflicts (2 of 4 stars). 2 submissions from 2 submitters: Uncertain significance (2). Last evaluated 2024-05-19.

Conditions:
Cardiovascular phenotype. Identifiers: MedGen CN230736.
Long QT syndrome (LQTS). Identifiers: MedGen C0023976, MeSH D008133, MONDO:0002442. Disease mechanism: loss of function. Inheritance: Various modes of inheritance.

Allele frequency attached by ClinVar (database versions not stated): gnomAD exomes below 0.00001; TOPMed below 0.00001.
gnomAD v4.1: 4 of 1,614,012 alleles (0.00025%); highest among the groups gnomAD compares: Non-Finnish European, 0.00034%; no homozygotes.

Submissions (2):

Ambry Genetics
Classification: Uncertain significance for Cardiovascular phenotype. Last evaluated: 2024-05-19. Review status: criteria provided, single submitter. Criteria: Ambry Variant Classification Scheme 2023. Collection method: clinical testing. Allele origin: germline.
Comment: The p.Q671K variant (also known as c.2011C>A), located in coding exon 18 of the ANK2 gene, results from a C to A substitution at nucleotide position 2011. The glutamine at codon 671 is replaced by lysine, an amino acid with similar properties. This amino acid position is conserved. In addition, the in silico prediction for this alteration is inconclusive. Based on the available evidence, the clinical significance of this variant remains unclear.

Labcorp Genetics (formerly Invitae), Labcorp
Classification: Uncertain significance for Long QT syndrome. Last evaluated: 2017-02-07. Review status: criteria provided, single submitter. Criteria: Invitae Variant Classification Sherloc (09022015). Collection method: clinical testing. Allele origin: germline.
Comment: In summary, this variant is a novel missense change with uncertain impact on protein function. It has been classified as a Variant of Uncertain Significance. Algorithms developed to predict the effect of missense changes on protein structure and function do not agree on the potential impact of this missense change (SIFT: "Tolerated"; PolyPhen-2: "Probably Damaging"; Align-GVGD: "Class C0"). This variant is not present in population databases (ExAC no frequency) and has not been reported in the literature in individuals with an ANK2-related disease. This sequence change replaces glutamine with lysine at codon 671 of the ANK2 protein (p.Gln671Lys). The glutamine residue is highly conserved and there is a small physicochemical difference between glutamine and lysine.

NM_001148.6(ANK2):c.2011C>A (p.Gln671Lys)

Gene: ANK2 (ankyrin 2; plus strand). Cytogenetic location: 4q26.
Variant type: single nucleotide variant.
Coding change: c.2011C>A on transcript NM_001148.6 (MANE Select); coding-DNA position 2011, C replaced by A.
Protein change: p.Gln671Lys; replaces glutamine 671 with lysine.
Molecular consequence: missense variant.
Genome position (GRCh38, 1-based): chr4:113,282,804, C>A. VCF-style: chr4-113282804-C-A. GRCh37 (hg19) VCF-style: chr4-114203960-C-A.
Other names: c.1948C>A, p.Gln650Lys (NM_001127493.3, NM_001354239.2, NM_001354243.2 and 10 more transcripts); c.2011C>A, p.Gln671Lys (NM_001354225.2, NM_001354228.2, NM_001354232.2 and 6 more transcripts); c.2056C>A, p.Gln686Lys (NM_001354230.2, NM_001354231.2, NM_001354237.2 and 5 more transcripts); c.1912C>A, p.Gln638Lys (NM_001354245.2, NM_001354268.2); c.1924C>A, p.Gln642Lys (NM_001354249.2, NM_001354264.2, NM_001354266.2 and 10 more transcripts); c.1849C>A, p.Gln617Lys (NM_001354253.2, NM_001354257.2, NM_001354270.2 and 1 more transcripts); c.1825C>A, p.Gln609Lys (NM_001354260.2, NM_001354271.2, NM_001386151.1); c.1969C>A, p.Gln657Lys (NM_001354261.2, NM_001386147.1, NM_001386160.1); and 8 more; short protein forms Q650K, Q671K, Q576K, Q638K, Q605K, Q642K, Q657K, Q686K.
Identifiers: ClinVar variation 457026 (VCV000457026.6), dbSNP rs1346440015, ClinGen allele CA357914146.